The following is an entry in ClinVar:

ClinVar aggregate classification (germline): Uncertain significance (1 of 4 stars; one submission).

Submission:

Labcorp Genetics (formerly Invitae), Labcorp
Classification: Uncertain significance. Last evaluated: 2021-08-15. Review status: criteria provided, single submitter. Criteria: Invitae Variant Classification Sherloc (09022015). Collection method: clinical testing. Allele origin: germline.
Comment: Algorithms developed to predict the effect of missense changes on protein structure and function output the following: SIFT: "Tolerated"; PolyPhen-2: "Benign"; Align-GVGD: "Class C0". The phenylalanine amino acid residue is found in multiple mammalian species, which suggests that this missense change does not adversely affect protein function. This variant has not been reported in the literature in individuals affected with CEP78-related conditions. This variant is not present in population databases (ExAC no frequency). This sequence change replaces valine with phenylalanine at codon 652 of the CEP78 protein (p.Val652Phe). The valine residue is moderately conserved and there is a small physicochemical difference between valine and phenylalanine. In summary, the available evidence is currently insufficient to determine the role of this variant in disease. Therefore, it has been classified as a Variant of Uncertain Significance.

NM_001330691.3(CEP78):c.1951G>T (p.Val651Phe)

Gene: CEP78 (centrosomal protein 78; plus strand). Cytogenetic location: 9q21.2.
Variant type: single nucleotide variant.
Coding change: c.1951G>T on transcript NM_001330691.3 (MANE Select); coding-DNA position 1951, G replaced by T.
Protein change: p.Val651Phe; replaces valine 651 with phenylalanine.
Molecular consequence: missense variant.
Genome position (GRCh38, 1-based): chr9:78,266,547, G>T. VCF-style: chr9-78266547-G-T. GRCh37 (hg19) VCF-style: chr9-80881463-G-T.
Other names: c.1954G>T, p.Val652Phe (NM_001098802.3, NM_001349839.2); c.1903G>T, p.Val635Phe (NM_001330693.3, NM_001330694.2); c.1951G>T, p.Val651Phe (NM_001349838.2); c.1906G>T, p.Val636Phe (NM_001349840.2, NM_032171.3); short protein forms V635F, V651F, V636F, V652F.
Identifiers: ClinVar variation 1372743 (VCV001372743.6), dbSNP rs763061622, ClinGen allele CA373867249.